The following is an entry in ClinVar:

NM_004369.4(COL6A3):c.292A>G (p.Thr98Ala)

Gene: COL6A3 (collagen type VI alpha 3 chain; minus strand). Cytogenetic location: 2q37.3.
Variant type: single nucleotide variant.
Coding change: c.292A>G on transcript NM_004369.4 (MANE Select); coding-DNA position 292, A replaced by G.
Protein change: p.Thr98Ala; replaces threonine 98 with alanine.
Molecular consequence: missense variant. On other transcripts: intron variant (4).
Genome position (GRCh38, 1-based): chr2:237,395,004, T>C on the plus strand (A>G on the coding strand, the complement: COL6A3 is on the minus strand). VCF-style: chr2-237395004-T-C. GRCh37 (hg19) VCF-style: chr2-238303647-T-C.
Other names: c.91+1723A>G (NM_057166.5, NM_057167.4, NM_057164.5 and 1 more transcripts); short protein forms T98A.
Identifiers: ClinVar variation 2082350 (VCV002082350.4), dbSNP rs76646066, ClinGen allele CA67842257.

ClinVar aggregate classification (germline): Uncertain significance (1 of 4 stars; one submission).

Conditions:
Bethlem myopathy 1A. Also called: MYOPATHY, BENIGN CONGENITAL, WITH CONTRACTURES; Bethlem myopathy 1; Bethlem Muscular Dystrophy. Identifiers: Orphanet 610, MedGen CN029274, MONDO:0024530, OMIM 158810.

gnomAD v4.1: 11 of 1,614,096 alleles (0.00068%); highest among the groups gnomAD compares: African/African-American, 0.012%; no homozygotes.

Submission:

Labcorp Genetics (formerly Invitae), Labcorp
Classification: Uncertain significance for Bethlem myopathy 1A. Last evaluated: 2024-10-18. Review status: criteria provided, single submitter. Criteria: Invitae Variant Classification Sherloc (09022015). Collection method: clinical testing. Allele origin: germline.
Comment: This sequence change replaces threonine, which is neutral and polar, with alanine, which is neutral and non-polar, at codon 98 of the COL6A3 protein (p.Thr98Ala). This variant is not present in population databases (gnomAD no frequency). This variant has not been reported in the literature in individuals affected with COL6A3-related conditions. ClinVar contains an entry for this variant (Variation ID: 2082350). Invitae Evidence Modeling of protein sequence and biophysical properties (such as structural, functional, and spatial information, amino acid conservation, physicochemical variation, residue mobility, and thermodynamic stability) indicates that this missense variant is not expected to disrupt COL6A3 protein function with a negative predictive value of 95%. In summary, the available evidence is currently insufficient to determine the role of this variant in disease. Therefore, it has been classified as a Variant of Uncertain Significance.